The following is an entry in ClinVar:

ClinVar aggregate classification (germline): Uncertain significance. Review status: criteria provided, single submitter (1 of 4 stars). 2 submissions from 2 submitters: Uncertain significance (1). 1 of the submissions does not count toward it. Last evaluated 2024-02-15.

Conditions:
MYH3-related disorder. Also called: MYH3-Related Disorders; MYH3-related condition. Identifiers: MedGen CN239329.

Submissions (2):

Labcorp Genetics (formerly Invitae), Labcorp
Classification: Uncertain significance. Last evaluated: 2024-02-15. Review status: criteria provided, single submitter. Criteria: Invitae Variant Classification Sherloc (09022015). Collection method: clinical testing. Allele origin: germline.
Comment: This sequence change falls in intron 39 of the MYH3 gene. It does not directly change the encoded amino acid sequence of the MYH3 protein. It affects a nucleotide within the consensus splice site. This variant is not present in population databases (gnomAD no frequency). This variant has been observed in individual(s) with MYH3-related conditions (PMID: 35169139). ClinVar contains an entry for this variant (Variation ID: 1065366). Variants that disrupt the consensus splice site are a relatively common cause of aberrant splicing (PMID: 17576681, 9536098). Studies have shown that this variant is associated with inconclusive levels of altered splicing (PMID: 35169139). In summary, the available evidence is currently insufficient to determine the role of this variant in disease. Therefore, it has been classified as a Variant of Uncertain Significance.

Beijing Key Laboratory for Genetic Research of Skeletal Deformity, Peking Union Medical College Hospital
Classification: Likely pathogenic for MYH3-related disorders. Last evaluated: 2021-01-01. Review status: no assertion criteria provided. Collection method: research. Allele origin: inherited. Affected: yes. Not counted in ClinVar's aggregate classification.

Literature cited by the submitters: PubMed 35169139 (cited by Labcorp Genetics (formerly Invitae), Labcorp); PubMed 17576681 (cited by Labcorp Genetics (formerly Invitae), Labcorp); PubMed 9536098 (cited by Labcorp Genetics (formerly Invitae), Labcorp).

NM_002470.4(MYH3):c.5658+3_5658+6del

Gene: MYH3 (myosin heavy chain 3; minus strand). Cytogenetic location: 17p13.1.
Variant type: Deletion.
Coding change: c.5658+3_5658+6del on transcript NM_002470.4 (MANE Select); bases 3 to 6 of the intron after coding-DNA position 5658, 4 bases deleted (AAGT; older notation c.5658+3_5658+6delAAGT).
Molecular consequence: splice donor variant.
Genome position (GRCh38, 1-based): chr17:10,629,836-10,629,839, ACTT deleted on the plus strand (AAGT on the coding strand, the reverse complement: MYH3 is on the minus strand); deleting any 4 consecutive bases within chr17:10,629,836-10,629,841 gives the same sequence; the c. name uses the placement nearest the transcript's 3' end. VCF-style (leftmost placement, unchanged base first): chr17-10629835-CACTT-C. GRCh37 (hg19) VCF-style: chr17-10533152-CACTT-C.
Identifiers: ClinVar variation 1065366 (VCV001065366.3), dbSNP rs2142377032, ClinGen allele CA2499223900.